The following is an entry in ClinVar:

NM_018136.5(ASPM):c.9636+116G>A

Gene: ASPM (assembly factor for spindle microtubules; minus strand). Cytogenetic location: 1q31.3.
Variant type: single nucleotide variant.
Coding change: c.9636+116G>A on transcript NM_018136.5 (MANE Select); 116 bases into the intron after coding-DNA position 9636, G replaced by A.
Molecular consequence: intron variant.
Genome position (GRCh38, 1-based): chr1:197,090,734, C>T on the plus strand (G>A on the coding strand, the complement: ASPM is on the minus strand). VCF-style: chr1-197090734-C-T. GRCh37 (hg19) VCF-style: chr1-197059864-C-T.
Other names: NC_000001.10:g.197059864C>T; c.4881+116G>A (NM_001206846.2).
Identifiers: ClinVar variation 673952 (VCV000673952.2), dbSNP rs72736482, ClinGen allele CA35862117.

ClinVar aggregate classification (germline): Benign (1 of 4 stars; one submission).

Allele frequency attached by ClinVar (database versions not stated): 1000 Genomes Project 0.04393; 1000 Genomes Project 30x 0.04450; TOPMed 0.07602; gnomAD 0.07671 and 0.07792; gnomAD exomes 0.10705.
gnomAD v4.1: 96,563 of 946,216 alleles (10%); highest among the groups gnomAD compares: Non-Finnish European, 13%; 5,828 homozygotes.

Submissions (6):

GeneDx
Classification: Benign. Last evaluated: 2018-06-16. Review status: criteria provided, single submitter. Criteria: GeneDx Variant Classification (06012015). Collection method: clinical testing. Allele origin: germline. Affected: yes.
Comment: This variant is considered likely benign or benign based on one or more of the following criteria: it is a conservative change, it occurs at a poorly conserved position in the protein, it is predicted to be benign by multiple in silico algorithms, and/or has population frequency not consistent with disease.

Dr. Peter K. Rogan Lab, Western University
No classification provided (evidence only). Condition: Malignant lymphoma, large B-cell, diffuse. Review status: no classification provided. Collection method: in vitro. Allele origin: not applicable. Functional consequence: retained intron. Not counted in ClinVar's aggregate classification.

Dr. Peter K. Rogan Lab, Western University
No classification provided (evidence only). Condition: Malignant lymphoma, large B-cell, diffuse. Review status: no classification provided. Collection method: in vitro. Allele origin: not applicable. Functional consequence: retained intron. Not counted in ClinVar's aggregate classification.

Dr. Peter K. Rogan Lab, Western University
No classification provided (evidence only). Condition: Malignant lymphoma, large B-cell, diffuse. Review status: no classification provided. Collection method: in vitro. Allele origin: not applicable. Functional consequence: retained intron. Not counted in ClinVar's aggregate classification.

Dr. Peter K. Rogan Lab, Western University
No classification provided (evidence only). Condition: Gastric cancer. Review status: no classification provided. Collection method: in vitro. Allele origin: not applicable. Functional consequence: retained intron. Not counted in ClinVar's aggregate classification.

Dr. Peter K. Rogan Lab, Western University
No classification provided (evidence only). Condition: Gastric cancer. Review status: no classification provided. Collection method: in vitro. Allele origin: not applicable. Functional consequence: retained intron. Not counted in ClinVar's aggregate classification.